The following is an entry in ClinVar:

ClinVar aggregate classification (germline): Uncertain significance. Review status: criteria provided, multiple submitters, no conflicts (2 of 4 stars). 4 submissions from 4 submitters: Uncertain significance (3). 1 of the submissions does not count toward it. Last evaluated 2025-01-16.

Conditions:
Granulomatous disease, chronic, autosomal recessive, cytochrome b-negative. Also called: GRANULOMATOUS DISEASE, CHRONIC, AUTOSOMAL RECESSIVE, 4; CGD DUE TO DEFICIENCY OF THE ALPHA SUBUNIT OF CYTOCHROME b; CGD, AUTOSOMAL RECESSIVE CYTOCHROME b-NEGATIVE; CYBA DEFICIENCY; Chronic granulomatous disease, autosomal, due to deficiency of CYBA. Identifiers: Orphanet 379, MedGen C1856255, MONDO:0009308, OMIM 233690.
Chronic granulomatous disease. Identifiers: Orphanet 379, MedGen C0018203, MONDO:0018305.

Allele frequency attached by ClinVar (database versions not stated): gnomAD exomes 0.00002 and 0.00005; ExAC 0.00003; gnomAD 0.00007; TOPMed 0.00009.
gnomAD v4.1: 40 of 1,613,724 alleles (0.0025%); highest among the groups gnomAD compares: African/African-American, 0.025%; no homozygotes.

Submissions (4):

Mayo Clinic Laboratories, Mayo Clinic
Classification: Uncertain significance. Last evaluated: 2025-01-16. Review status: criteria provided, single submitter. Criteria: ACMG Guidelines, 2015. Collection method: clinical testing. Allele origin: germline. Observed: 1 variant allele.

CeGaT Center for Human Genetics Tuebingen
Classification: Uncertain significance. Last evaluated: 2023-08-01. Review status: criteria provided, single submitter. Criteria: CeGaT Center For Human Genetics Tuebingen Variant Classification Criteria Version 2. Collection method: clinical testing. Allele origin: germline. Affected: yes. Observed: 1 variant allele.
Comment: CYBA: PM2, BP4

Labcorp Genetics (formerly Invitae), Labcorp
Classification: Uncertain significance for Granulomatous disease, chronic, autosomal recessive, cytochrome b-negative. Last evaluated: 2022-09-19. Review status: criteria provided, single submitter. Criteria: Invitae Variant Classification Sherloc (09022015). Collection method: clinical testing. Allele origin: germline.
Comment: This sequence change replaces alanine, which is neutral and non-polar, with threonine, which is neutral and polar, at codon 75 of the CYBA protein (p.Ala75Thr). This variant is present in population databases (rs13306293, gnomAD 0.03%). This variant has not been reported in the literature in individuals affected with CYBA-related conditions. ClinVar contains an entry for this variant (Variation ID: 844815). Algorithms developed to predict the effect of missense changes on protein structure and function output the following: SIFT: "Tolerated"; PolyPhen-2: "Benign"; Align-GVGD: "Class C0". The threonine amino acid residue is found in multiple mammalian species, which suggests that this missense change does not adversely affect protein function. In summary, the available evidence is currently insufficient to determine the role of this variant in disease. Therefore, it has been classified as a Variant of Uncertain Significance.

Natera, Inc.
Classification: Uncertain significance for Chronic granulomatous disease. Last evaluated: 2020-09-16. Review status: no assertion criteria provided. Collection method: clinical testing. Allele origin: germline. Not counted in ClinVar's aggregate classification.

NM_000101.4(CYBA):c.223G>A (p.Ala75Thr)

Gene: CYBA (cytochrome b-245 alpha chain; minus strand). Cytogenetic location: 16q24.2.
Variant type: single nucleotide variant.
Coding change: c.223G>A on transcript NM_000101.4 (MANE Select); coding-DNA position 223, G replaced by A.
Protein change: p.Ala75Thr; replaces alanine 75 with threonine.
Molecular consequence: missense variant.
Genome position (GRCh38, 1-based): chr16:88,646,819, C>T on the plus strand (G>A on the coding strand, the complement: CYBA is on the minus strand). VCF-style: chr16-88646819-C-T. GRCh37 (hg19) VCF-style: chr16-88713227-C-T.
Other names: p.Ala75Thr; short protein forms A75T.
Identifiers: ClinVar variation 844815 (VCV000844815.29), dbSNP rs13306293, ClinGen allele CA8228349.